The following is an entry in ClinVar:

ClinVar aggregate classification (germline): Uncertain significance (1 of 4 stars; one submission).

Conditions:
Charcot-Marie-Tooth disease type 2. Also called: Charcot-Marie-Tooth type 2. Identifiers: Orphanet 64746, MedGen C0270914, MONDO:0018993.

Submission:

Labcorp Genetics (formerly Invitae), Labcorp
Classification: Uncertain significance for Charcot-Marie-Tooth disease type 2. Last evaluated: 2022-12-22. Review status: criteria provided, single submitter. Criteria: Invitae Variant Classification Sherloc (09022015). Collection method: clinical testing. Allele origin: germline.
Comment: This sequence change falls in intron 10 of the KIF1B gene. It does not directly change the encoded amino acid sequence of the KIF1B protein. This variant is not present in population databases (gnomAD no frequency). This variant has not been reported in the literature in individuals affected with KIF1B-related conditions. Algorithms developed to predict the effect of sequence changes on RNA splicing suggest that this variant may create or strengthen a splice site. In summary, the available evidence is currently insufficient to determine the role of this variant in disease. Therefore, it has been classified as a Variant of Uncertain Significance.

NM_001365951.3(KIF1B):c.959-10A>G

Gene: KIF1B (kinesin family member 1B; plus strand). Cytogenetic location: 1p36.22.
Variant type: single nucleotide variant.
Coding change: c.959-10A>G on transcript NM_001365951.3 (MANE Select); 10 bases into the intron before coding-DNA position 959, A replaced by G.
Molecular consequence: intron variant.
Genome position (GRCh38, 1-based): chr1:10,276,311, A>G. VCF-style: chr1-10276311-A-G. GRCh37 (hg19) VCF-style: chr1-10336369-A-G.
Other names: c.941-10A>G (NM_183416.4, NM_015074.3, NM_001365953.1); c.959-10A>G (NM_001365952.1).
Identifiers: ClinVar variation 2823230 (VCV002823230.3), dbSNP rs2521161472, ClinGen allele CA2739272281.